The following is an entry in ClinVar:

NM_001365276.2(TNXB):c.3659A>T (p.Asp1220Val)

Gene: TNXB (tenascin XB; minus strand). Cytogenetic location: 6p21.33.
Variant type: single nucleotide variant.
Coding change: c.3659A>T on transcript NM_001365276.2 (MANE Select); coding-DNA position 3659, A replaced by T.
Protein change: p.Asp1220Val; replaces aspartic acid 1220 with valine.
Molecular consequence: missense variant.
Genome position (GRCh38, 1-based): chr6:32,082,113, T>A on the plus strand (A>T on the coding strand, the complement: TNXB is on the minus strand). VCF-style: chr6-32082113-T-A. GRCh37 (hg19) VCF-style: chr6-32049890-T-A.
Other names: c.3659A>T, p.Asp1220Val (NM_019105.8); short protein forms D1220V.
Identifiers: ClinVar variation 1733645 (VCV001733645.4), dbSNP rs757169367, ClinGen allele CA3735142.

ClinVar aggregate classification (germline): Uncertain significance. Review status: criteria provided, multiple submitters, no conflicts (2 of 4 stars). 2 submissions from 2 submitters: Uncertain significance (2). Last evaluated 2025-07-18.

Conditions:
Cardiovascular phenotype. Identifiers: MedGen CN230736.

Allele frequency attached by ClinVar (database versions not stated): gnomAD 0.00001; TOPMed 0.00002.
gnomAD v4.1: 19 of 1,611,272 alleles (0.0012%); highest among the groups gnomAD compares: Non-Finnish European, 0.0016%; no homozygotes.

Submissions (2):

Women's Health and Genetics/Laboratory Corporation of America, LabCorp
Classification: Uncertain significance. Last evaluated: 2025-07-18. Review status: criteria provided, single submitter. Criteria: LabCorp Variant Classification Summary - May 2015. Collection method: clinical testing. Allele origin: germline.
Comment: Variant summary: TNXB c.3659A>T (p.Asp1220Val) results in a non-conservative amino acid change in the encoded protein sequence. Algorithms developed to predict the effect of missense changes on protein structure and function are either unavailable or do not agree on the potential impact of this missense change. The variant allele was found at a frequency of 8.3e-06 in 240794 control chromosomes. The available data on variant occurrences in the general population are insufficient to allow any conclusion about variant significance. To our knowledge, no occurrence of c.3659A>T in individuals affected with Ehlers-Danlos syndrome due to tenascin-X deficiency and no experimental evidence demonstrating its impact on protein function have been reported. ClinVar contains an entry for this variant (Variation ID: 1733645). Based on the evidence outlined above, the variant was classified as uncertain significance.

Ambry Genetics
Classification: Uncertain significance for Cardiovascular phenotype. Last evaluated: 2024-03-31. Review status: criteria provided, single submitter. Criteria: Ambry Variant Classification Scheme 2023. Collection method: clinical testing. Allele origin: germline.